The following is an entry in ClinVar:

NM_002796.3(PSMB4):c.276C>G (p.Asn92Lys)

Gene: PSMB4 (proteasome 20S subunit beta 4; plus strand). Cytogenetic location: 1q21.3.
Variant type: single nucleotide variant.
Coding change: c.276C>G on transcript NM_002796.3 (MANE Select); coding-DNA position 276, C replaced by G.
Protein change: p.Asn92Lys; replaces asparagine 92 with lysine.
Molecular consequence: missense variant.
Genome position (GRCh38, 1-based): chr1:151,400,116, C>G. VCF-style: chr1-151400116-C-G. GRCh37 (hg19) VCF-style: chr1-151372592-C-G.
Other names: short protein forms N92K.
Identifiers: ClinVar variation 3699746 (VCV003699746.2).
Genomic context (GRCh38, chr1:151,400,116, plus strand): 5'-GGGATCCTACGGCTCCTTGGCTCGTTTCCGCAACATCTCTCGCATTATGCGAGTCAACAA[C>G]AGTACCATGCTGGGTGCCTCTGGCGACTACGCTGATTTCCAGTATTTGAAGCAAGTTCTC-3'
Protein context (NP_002787.2, residues 82-102): RNISRIMRVN[Asn92Lys]STMLGASGDY

ClinVar aggregate classification (germline): Uncertain significance (1 of 4 stars; one submission).

Submission:

Labcorp Genetics (formerly Invitae), Labcorp
Classification: Uncertain significance. Last evaluated: 2024-03-30. Review status: criteria provided, single submitter. Criteria: Invitae Variant Classification Sherloc (09022015). Collection method: clinical testing. Allele origin: germline.
Comment: This sequence change replaces asparagine, which is neutral and polar, with lysine, which is basic and polar, at codon 92 of the PSMB4 protein (p.Asn92Lys). This variant is not present in population databases (gnomAD no frequency). This variant has not been reported in the literature in individuals affected with PSMB4-related conditions. An algorithm developed to predict the effect of missense changes on protein structure and function (PolyPhen-2) suggests that this variant is likely to be tolerated. In summary, the available evidence is currently insufficient to determine the role of this variant in disease. Therefore, it has been classified as a Variant of Uncertain Significance.